The following is an entry in ClinVar:

ClinVar aggregate classification (germline): Uncertain significance (1 of 4 stars; one submission).

Conditions:
Inborn genetic diseases. Identifiers: MedGen C0950123, MeSH D030342.

Allele frequency attached by ClinVar (database versions not stated): TOPMed below 0.00001.

Submission:

Ambry Genetics
Classification: Uncertain significance for Inborn genetic diseases. Last evaluated: 2024-02-28. Review status: criteria provided, single submitter. Criteria: Ambry Variant Classification Scheme 2023. Collection method: clinical testing. Allele origin: germline.
Comment: The p.H625Q variant (also known as c.1875T>A), located in coding exon 16 of the LRRK2 gene, results from a T to A substitution at nucleotide position 1875. The histidine at codon 625 is replaced by glutamine, an amino acid with highly similar properties. This amino acid position is conserved. In addition, this alteration is predicted to be tolerated by in silico analysis. Based on the available evidence, the clinical significance of this alteration remains unclear.

NM_198578.4(LRRK2):c.1875T>A (p.His625Gln)

Gene: LRRK2 (leucine rich repeat kinase 2; plus strand). Cytogenetic location: 12q12.
Variant type: single nucleotide variant.
Coding change: c.1875T>A on transcript NM_198578.4 (MANE Select); coding-DNA position 1875, T replaced by A.
Protein change: p.His625Gln; replaces histidine 625 with glutamine.
Molecular consequence: missense variant.
Genome position (GRCh38, 1-based): chr12:40,274,927, T>A. VCF-style: chr12-40274927-T-A. GRCh37 (hg19) VCF-style: chr12-40668729-T-A.
Other names: short protein forms H625Q.
Identifiers: ClinVar variation 3229532 (VCV003229532.1), dbSNP rs1210061719, ClinGen allele CA384403465.